The following is an entry in ClinVar:

NM_017617.5(NOTCH1):c.2056C>T (p.Pro686Ser)

Gene: NOTCH1 (notch receptor 1; minus strand). Cytogenetic location: 9q34.3.
Variant type: single nucleotide variant.
Coding change: c.2056C>T on transcript NM_017617.5 (MANE Select); coding-DNA position 2056, C replaced by T.
Protein change: p.Pro686Ser; replaces proline 686 with serine.
Molecular consequence: missense variant.
Genome position (GRCh38, 1-based): chr9:136,514,661, G>A on the plus strand (C>T on the coding strand, the complement: NOTCH1 is on the minus strand). VCF-style: chr9-136514661-G-A. GRCh37 (hg19) VCF-style: chr9-139409113-G-A.
Other names: c.2056C>T (NM_017617.3); short protein forms P686S.
Identifiers: ClinVar variation 3014322 (VCV003014322.4), dbSNP rs1178627457, ClinGen allele CA375558833.

ClinVar aggregate classification (germline): Conflicting classifications of pathogenicity. Review status: criteria provided, conflicting classifications (1 of 4 stars). 2 submissions from 2 submitters: Uncertain significance (1); Likely benign (1). Last evaluated 2025-11-26.

Conditions:
Adams-Oliver syndrome 5 (AOS5). Identifiers: Orphanet 974, MedGen C4014970, MONDO:0014459, OMIM 616028.
Familial thoracic aortic aneurysm and aortic dissection (TAAD). Also called: Thoracic aortic aneurysms and dissections. Identifiers: Orphanet 91387, MedGen C4707243, MONDO:0019625.

Allele frequency attached by ClinVar (database versions not stated): gnomAD exomes below 0.00001.
gnomAD v4.1: 2 of 1,612,616 alleles (0.00012%); highest among the groups gnomAD compares: Admixed American, 0.0033%; no homozygotes.

Submissions (2):

Labcorp Genetics (formerly Invitae), Labcorp
Classification: Likely benign for Adams-Oliver syndrome 5. Last evaluated: 2025-11-26. Review status: criteria provided, single submitter. Criteria: Invitae Variant Classification Sherloc (09022015). Collection method: clinical testing. Allele origin: germline.

Ambry Genetics
Classification: Uncertain significance for Familial thoracic aortic aneurysm and aortic dissection. Last evaluated: 2025-03-04. Review status: criteria provided, single submitter. Criteria: Ambry Variant Classification Scheme 2023. Collection method: clinical testing. Allele origin: germline.
Comment: The p.P686S variant (also known as c.2056C>T), located in coding exon 13 of the NOTCH1 gene, results from a C to T substitution at nucleotide position 2056. The proline at codon 686 is replaced by serine, an amino acid with similar properties. This amino acid position is conserved. In addition, the in silico prediction for this alteration is inconclusive. Based on the available evidence, the clinical significance of this variant remains unclear.